The following is an entry in ClinVar:

NM_001083116.3(PRF1):c.1428del (p.Pro477_Leu478insTer)

Gene: PRF1 (perforin 1; minus strand). Cytogenetic location: 10q22.1.
Variant type: Deletion.
Coding change: c.1428del on transcript NM_001083116.3 (MANE Select); coding-DNA position 1428, one base deleted (G; older notation c.1428delG).
Protein change: p.Pro477_Leu478insTer.
Molecular consequence: frameshift variant.
Genome position (GRCh38, 1-based): chr10:70,598,293, C deleted on the plus strand (G on the coding strand, the reverse complement: PRF1 is on the minus strand); the first of 6 consecutive C bases (chr10:70,598,293-70,598,298); deleting any one gives the same sequence. VCF-style (leftmost placement, unchanged base first): chr10-70598292-GC-G. GRCh37 (hg19) VCF-style: chr10-72358048-GC-G.
Other names: c.1428del, p.Pro477_Leu478insTer (NM_005041.6).
Identifiers: ClinVar variation 2136868 (VCV002136868.6), dbSNP rs748926167, ClinGen allele CA5538744.

ClinVar aggregate classification (germline): Pathogenic. Review status: criteria provided, multiple submitters, no conflicts (2 of 4 stars). 2 submissions from 2 submitters: Pathogenic (2). Last evaluated 2024-01-23.

Conditions:
Familial hemophagocytic lymphohistiocytosis 2 (FHL2). Also called: PRF1-Related Familial Hemophagocytic Lymphohistiocytosis (PRF1-fHLH). Identifiers: Orphanet 540, MedGen C1863727, MONDO:0011337, OMIM 603553.
Aplastic anemia. Identifiers: Orphanet 182040, Orphanet 88, MedGen C0002874, MONDO:0015909, OMIM 609135, HP:0001915.

Submissions (2):

Baylor Genetics
Classification: Pathogenic for Aplastic anemia. Last evaluated: 2024-01-23. Review status: criteria provided, single submitter. Criteria: ACMG Guidelines, 2015. Collection method: clinical testing. Allele origin: unknown.

Labcorp Genetics (formerly Invitae), Labcorp
Classification: Pathogenic for Familial hemophagocytic lymphohistiocytosis 2. Last evaluated: 2023-04-18. Review status: criteria provided, single submitter. Criteria: Invitae Variant Classification Sherloc (09022015). Collection method: clinical testing. Allele origin: germline.
Comment: This sequence change creates a premature translational stop signal (p.Leu478*) in the PRF1 gene. While this is not anticipated to result in nonsense mediated decay, it is expected to disrupt the last 78 amino acid(s) of the PRF1 protein. This variant is present in population databases (rs748926167, gnomAD 0.002%). This premature translational stop signal has been observed in individual(s) with hemophagocytic lymphohistiocytosis (PMID: 23160464). This variant is also known as c.1423delG. ClinVar contains an entry for this variant (Variation ID: 2136868). This variant disrupts a region of the PRF1 protein in which other variant(s) (p.Asp491Asn) have been determined to be pathogenic (PMID: 25577959, 33746956). This suggests that this is a clinically significant region of the protein, and that variants that disrupt it are likely to be disease-causing. For these reasons, this variant has been classified as Pathogenic.

Literature cited by the submitters: PubMed 23160464 (cited by Labcorp Genetics (formerly Invitae), Labcorp); PubMed 25577959 (cited by Labcorp Genetics (formerly Invitae), Labcorp); PubMed 33746956 (cited by Labcorp Genetics (formerly Invitae), Labcorp).